The following is an entry in ClinVar:

NM_005859.5(PURA):c.269A>G (p.Glu90Gly)

Gene: PURA (purine rich element binding protein A; plus strand). Cytogenetic location: 5q31.3.
Variant type: single nucleotide variant.
Coding change: c.269A>G on transcript NM_005859.5 (MANE Select); coding-DNA position 269, A replaced by G.
Protein change: p.Glu90Gly; replaces glutamic acid 90 with glycine.
Molecular consequence: missense variant.
Genome position (GRCh38, 1-based): chr5:140,114,450, A>G. VCF-style: chr5-140114450-A-G. GRCh37 (hg19) VCF-style: chr5-139494035-A-G.
Other names: short protein forms E90G.
Identifiers: ClinVar variation 4881021 (VCV004881021.2).
Genomic context (GRCh38, chr5:140,114,450, plus strand): 5'-ACAAGCGCTTCTACCTGGACGTGAAGCAGAACGCCAAGGGCCGCTTCCTGAAGATCGCCG[A>G]GGTGGGCGCGGGCGGCAACAAGAGCCGCCTTACTCTCTCCATGTCAGTGGCCGTGGAGTT-3'
Protein context (NP_005850.1, residues 80-100): NAKGRFLKIA[Glu90Gly]VGAGGNKSRL

ClinVar aggregate classification (germline): Uncertain significance (1 of 4 stars; one submission).

gnomAD v4.1: 1 of 1,612,802 alleles (0.000062%); no homozygotes.

Submission:

Dasa
Classification: Uncertain significance. Last evaluated: 2025-01-28. Review status: criteria provided, single submitter. Criteria: DASA Assertion Criteria. Collection method: clinical testing. Allele origin: germline.
Comment: NM_005859.5(PURA):c.269A>G (p.Glu90Gly) is a missense variant that results in the substitution of glutamic acid with glycine. This variant is rare in population databases. The currently available literature and clinical evidence are not sufficient to establish a definitive association between this variant and the reported condition. Therefore, this variant is classified as a variant of uncertain significance.